The following is an entry in ClinVar:

NM_003630.3(PEX3):c.74-4G>A

Gene: PEX3 (peroxisomal biogenesis factor 3; plus strand). Cytogenetic location: 6q24.2.
Variant type: single nucleotide variant.
Coding change: c.74-4G>A on transcript NM_003630.3 (MANE Select); 4 bases into the intron before coding-DNA position 74, G replaced by A.
Molecular consequence: intron variant.
Genome position (GRCh38, 1-based): chr6:143,459,081, G>A. VCF-style: chr6-143459081-G-A. GRCh37 (hg19) VCF-style: chr6-143780218-G-A.
Other names: c.74-4G>A (NM_003630.2).
Identifiers: ClinVar variation 1659627 (VCV001659627.9), dbSNP rs1420252601, ClinGen allele CA570629856.

ClinVar aggregate classification (germline): Likely benign. Review status: criteria provided, multiple submitters, no conflicts (2 of 4 stars). 2 submissions from 2 submitters: Likely benign (2). Last evaluated 2025-11-25.

Conditions:
PEX3-related disorder. Also called: PEX3-related condition.

Allele frequency attached by ClinVar (database versions not stated): gnomAD exomes below 0.00001; gnomAD 0.00001; TOPMed 0.00002.
gnomAD v4.1: 7 of 1,572,592 alleles (0.00045%); highest among the groups gnomAD compares: African/African-American, 0.0095%; no homozygotes.

Submissions (2):

PreventionGenetics, part of Exact Sciences
Classification: Likely benign for PEX3-related condition. Last evaluated: 2025-11-25. Review status: criteria provided, single submitter. Criteria: ACMG Guidelines, 2015. Collection method: clinical testing. Allele origin: germline.
Comment: This variant is classified as likely benign based on ACMG/AMP sequence variant interpretation guidelines (Richards et al. 2015 PMID: 25741868, with internal and published modifications).

Labcorp Genetics (formerly Invitae), Labcorp
Classification: Likely benign. Last evaluated: 2024-04-15. Review status: criteria provided, single submitter. Criteria: Invitae Variant Classification Sherloc (09022015). Collection method: clinical testing. Allele origin: germline.